The following is an entry in ClinVar:

NM_001040108.2(MLH3):c.1531C>A (p.Pro511Thr)

Gene: MLH3 (mutL homolog 3; minus strand). Cytogenetic location: 14q24.3.
Variant type: single nucleotide variant.
Coding change: c.1531C>A on transcript NM_001040108.2 (MANE Select); coding-DNA position 1531, C replaced by A.
Protein change: p.Pro511Thr; replaces proline 511 with threonine.
Molecular consequence: missense variant.
Genome position (GRCh38, 1-based): chr14:75,048,125, G>T on the plus strand (C>A on the coding strand, the complement: MLH3 is on the minus strand). VCF-style: chr14-75048125-G-T. GRCh37 (hg19) VCF-style: chr14-75514828-G-T.
Other names: c.1531C>A, p.Pro511Thr (NM_014381.3); short protein forms P511T.
Identifiers: ClinVar variation 1774633 (VCV001774633.2), dbSNP rs2139581351, ClinGen allele CA390445191.

ClinVar aggregate classification (germline): Uncertain significance (1 of 4 stars; one submission).

Submission:

Ambry Genetics
Classification: Uncertain significance. Last evaluated: 2022-02-02. Review status: criteria provided, single submitter. Criteria: Ambry Variant Classification Scheme 2023. Collection method: clinical testing. Allele origin: germline.
Comment: The p.P511T variant (also known as c.1531C>A), located in coding exon 1 of the MLH3 gene, results from a C to A substitution at nucleotide position 1531. The proline at codon 511 is replaced by threonine, an amino acid with highly similar properties. This amino acid position is conserved. In addition, this alteration is predicted to be tolerated by in silico analysis. Since supporting evidence is limited at this time, the clinical significance of this alteration remains unclear.